The following is an entry in ClinVar:

ClinVar aggregate classification (germline): Pathogenic (1 of 4 stars; one submission).

Submission:

Baylor Genetics
Classification: Pathogenic. Last evaluated: 2018-11-01. Review status: criteria provided, single submitter. Criteria: ACMG CNV Guidelines, 2011. Collection method: clinical testing. Allele origin: germline. Observed: 1 variant allele.

GRCh37/hg19 16q22.1(chr16:67132790-68166320)

Genes: AGRP (agouti related neuropeptide; minus strand), ATP6V0D1 (ATPase H+ transporting V0 subunit d1; minus strand), B3GNT9 (UDP-GlcNAc:betaGal beta-1,3-N-acetylglucosaminyltransferase 9; minus strand), NRN1L (neuritin 1 like; plus strand), NUTF2 (nuclear transport factor 2; plus strand) and 44 more. Cytogenetic location: 16q22.1.
Variant type: copy number loss.
Identifiers: ClinVar variation 625609 (VCV000625609.1).